The following is an entry in ClinVar:

NM_001613.4(ACTA2):c.1003C>A (p.Pro335Thr)

Genes: ACTA2 (actin alpha 2, smooth muscle; minus strand), ACTA2-AS1 (ACTA2 antisense RNA 1; plus strand). Cytogenetic location: 10q23.31.
Variant type: single nucleotide variant.
Coding change: c.1003C>A on transcript NM_001613.4 (MANE Select); coding-DNA position 1003, C replaced by A.
Protein change: p.Pro335Thr; replaces proline 335 with threonine.
Molecular consequence: missense variant. On other transcripts: non-coding transcript variant (1).
Genome position (GRCh38, 1-based): chr10:88,935,354, G>T on the plus strand (C>A on the coding strand, the complement: ACTA2 is on the minus strand). VCF-style: chr10-88935354-G-T. GRCh37 (hg19) VCF-style: chr10-90695111-G-T.
Other names: c.874C>A, p.Pro292Thr (NM_001406469.1, NM_001406467.1, NM_001406468.1); c.811C>A, p.Pro271Thr (NM_001406471.1); c.1003C>A, p.Pro335Thr (NM_001141945.3, NM_001320855.2, NM_001406462.1 and 2 more transcripts); c.892C>A, p.Pro298Thr (NM_001406466.1); short protein forms P271T, P292T, P298T, P335T.
Identifiers: ClinVar variation 3072594 (VCV003072594.2), dbSNP rs1057518929, ClinGen allele CA377510608.

ClinVar aggregate classification (germline): Uncertain significance. Review status: criteria provided, multiple submitters, no conflicts (2 of 4 stars). 2 submissions from 2 submitters: Uncertain significance (2). Last evaluated 2026-02-16.

Conditions:
Familial thoracic aortic aneurysm and aortic dissection (TAAD). Also called: Thoracic aortic aneurysms and dissections. Identifiers: Orphanet 91387, MedGen C4707243, MONDO:0019625.

Submissions (2):

Ambry Genetics
Classification: Uncertain significance for Familial thoracic aortic aneurysm and aortic dissection. Last evaluated: 2026-02-16. Review status: criteria provided, single submitter. Criteria: Ambry Variant Classification Scheme 2023. Collection method: clinical testing. Allele origin: germline.

All of Us Research Program, National Institutes of Health
Classification: Uncertain significance for Familial thoracic aortic aneurysm and aortic dissection. Last evaluated: 2023-08-08. Review status: criteria provided, single submitter. Criteria: ACMG Guidelines, 2015. Collection method: clinical testing. Allele origin: germline. Inheritance: Autosomal dominant inheritance. Observed: 1 variant allele, 1 heterozygote.
Comment: This missense variant replaces proline with threonine at codon 335 of the ACTA2 protein. Computational prediction suggests that this variant may have deleterious impact on protein structure and function (internally defined REVEL score threshold >= 0.7, PMID: 27666373). To our knowledge, functional studies have not been reported for this variant. This variant has not been reported in individuals affected with ACTA2-related disorders in the literature. This variant has not been identified in the general population by the Genome Aggregation Database (gnomAD). The available evidence is insufficient to determine the role of this variant in disease conclusively. Therefore, this variant is classified as a Variant of Uncertain Significance.

This study involves interpretation of variants in research participants for the purpose of population health screening. Participant phenotype was not available at the time of variant classification. Additional details can be found in publication PMID: 35346344, PMCID: PMC8962531